The following is an entry in ClinVar:

NM_001110556.2(FLNA):c.2391C>G (p.Ala797=)

Gene: FLNA (filamin A; minus strand). Cytogenetic location: Xq28.
Variant type: single nucleotide variant.
Coding change: c.2391C>G on transcript NM_001110556.2 (MANE Select); coding-DNA position 2391, C replaced by G.
Protein change: p.Ala797=; no amino-acid change (alanine 797 retained).
Molecular consequence: synonymous variant.
Genome position (GRCh38, 1-based): chrX:154,362,674, G>C on the plus strand (C>G on the coding strand, the complement: FLNA is on the minus strand). VCF-style: chrX-154362674-G-C. GRCh37 (hg19) VCF-style: chrX-153591042-G-C.
Other names: c.2391C>G, p.Ala797= (NM_001456.4).
Identifiers: ClinVar variation 2661794 (VCV002661794.24), dbSNP rs918799305, ClinGen allele CA519708876.

ClinVar aggregate classification (germline): Likely benign (1 of 4 stars; one submission).

Submission:

CeGaT Center for Human Genetics Tuebingen
Classification: Likely benign. Last evaluated: 2022-10-01. Review status: criteria provided, single submitter. Criteria: CeGaT Center For Human Genetics Tuebingen Variant Classification Criteria Version 2. Collection method: clinical testing. Allele origin: germline. Affected: yes. Observed: 1 variant allele.
Comment: FLNA: BP4, BP7